The following is an entry in ClinVar:

ClinVar aggregate classification (germline): Uncertain significance (1 of 4 stars; one submission).

Conditions:
Fanconi anemia complementation group O. Also called: RAD51C-Related Fanconi Anemia. Identifiers: Orphanet 84, MedGen C3150653, MONDO:0013248, OMIM 613390.

Submission:

Labcorp Genetics (formerly Invitae), Labcorp
Classification: Uncertain significance for Fanconi anemia, complementation group O. Last evaluated: 2019-06-13. Review status: criteria provided, single submitter. Criteria: Invitae Variant Classification Sherloc (09022015). Collection method: clinical testing. Allele origin: germline.
Comment: This variant results in a copy number gain of the genomic region encompassing exons 1-5 of the RAD51C gene, which includes the initiator codon. The 5' end of this event is unknown as it extends beyond the assayed region for this gene and therefore may encompass additional genes. The 3' boundary is likely confined to intron 5 of the RAD51C gene. As the precise location of this event is unknown, it may be in tandem or it may be located elsewhere in the genome. This variant has not been reported in the literature in individuals with RAD51C-related conditions. Experimental studies and prediction algorithms are not available or were not evaluated for this variant, and the functional significance of the affected amino acid(s) is currently unknown. In summary, the available evidence is currently insufficient to determine the role of this variant in disease. Therefore, it has been classified as a Variant of Uncertain Significance.

NC_000017.11:g.(?_58692634)_(58710000_?)dup

Gene: RAD51C (RAD51 paralog C; plus strand). Cytogenetic location: 17q22.
Variant type: Duplication.
Identifiers: ClinVar variation 830469 (VCV000830469.1).